The following is an entry in ClinVar:

NM_000051.4(ATM):c.5776_5790del (p.Thr1926_Asp1930del)

Genes: ATM (ATM serine/threonine kinase; plus strand), C11orf65 (chromosome 11 open reading frame 65; minus strand). Cytogenetic location: 11q22.3.
Variant type: Deletion.
Coding change: c.5776_5790del on transcript NM_000051.4 (MANE Select); coding-DNA positions 5776 to 5790, 15 bases deleted (ACAATTTTTAATGAT).
Protein change: p.Thr1926_Asp1930del.
Molecular consequence: inframe deletion. On other transcripts: intron variant (2).
Genome position (GRCh38, 1-based): chr11:108,310,173-108,310,187, ACAATTTTTAATGAT deleted. VCF-style (leftmost placement, unchanged base first): chr11-108310172-AACAATTTTTAATGAT-A. GRCh37 (hg19) VCF-style: chr11-108180899-AACAATTTTTAATGAT-A.
Other names: c.5776_5790del, p.Thr1926_Asp1930del (NM_001351834.2); c.641-1116_641-1102del (NM_001330368.2); c.*39-1116_*39-1102del (NM_001351110.2).
Identifiers: ClinVar variation 187366 (VCV000187366.36), dbSNP rs786203678, ClinGen allele CA197466.

ClinVar aggregate classification (germline): Uncertain significance. Review status: criteria provided, multiple submitters, no conflicts (2 of 4 stars). 7 submissions from 7 submitters: Uncertain significance (6). 1 of the submissions does not count toward it. Last evaluated 2026-01-28.

Conditions:
Familial colorectal cancer type X. Identifiers: Orphanet 440437, MedGen C3896578, MONDO:0018604.
Hereditary cancer-predisposing syndrome. Also called: Hereditary Cancer Syndrome; Tumor predisposition; Neoplastic Syndromes, Hereditary; Hereditary neoplastic syndrome. Identifiers: Orphanet 140162, MedGen C0027672, MeSH D009386, MONDO:0015356.
Familial cancer of breast. Also called: hereditary breast carcinoma; BREAST CANCER, FAMILIAL; Hereditary breast cancer. Identifiers: Orphanet 227535, MedGen C0346153, MONDO:0016419, OMIM 114480. Disease mechanism: loss of function.
Ataxia-telangiectasia syndrome (AT). Also called: ATAXIA-TELANGIECTASIA, COMPLEMENTATION GROUP A; ATAXIA-TELANGIECTASIA, FRESNO VARIANT; Ataxia-telangiectasia; Ataxia-telangiectasia, complementation group E; Cerebello-oculocutaneous telangiectasia; Immunodeficiency with ataxia telangiectasia. Identifiers: Orphanet 100, MedGen C0004135, MONDO:0008840, OMIM 208900.

Allele frequency attached by ClinVar (database versions not stated): gnomAD exomes below 0.00001 and 0.00001; TOPMed below 0.00001.

Submissions (7):

Labcorp Genetics (formerly Invitae), Labcorp
Classification: Uncertain significance for Ataxia-telangiectasia syndrome. Last evaluated: 2026-01-28. Review status: criteria provided, single submitter. Criteria: Invitae Variant Classification Sherloc (09022015). Collection method: clinical testing. Allele origin: germline.
Comment: This variant, c.5776_5790del, results in the deletion of 5 amino acid(s) of the ATM protein (p.Thr1926_Asp1930del), but otherwise preserves the integrity of the reading frame. This variant is present in population databases (rs786203678, gnomAD 0.0009%). This variant has not been reported in the literature in individuals affected with ATM-related conditions. ClinVar contains an entry for this variant (Variation ID: 187366). Experimental studies and prediction algorithms are not available or were not evaluated, and the functional significance of this variant is currently unknown. In summary, the available evidence is currently insufficient to determine the role of this variant in disease. Therefore, it has been classified as a Variant of Uncertain Significance.

Color Diagnostics, LLC DBA Color Health
Classification: Uncertain significance for Hereditary cancer-predisposing syndrome. Last evaluated: 2025-07-25. Review status: criteria provided, single submitter. Criteria: ACMG Guidelines, 2015. Collection method: clinical testing. Allele origin: germline.
Comment: This variant causes an in-frame deletion of five amino acids of the ATM protein. To our knowledge, functional studies have not been performed for this variant. This variant has not been reported in individuals affected with hereditary cancer in the literature. This variant has been identified in 1/250818 chromosomes in the general population by the Genome Aggregation Database (gnomAD). The available evidence is insufficient to determine the role of this variant in disease conclusively. Therefore, this variant is classified as a Variant of Uncertain Significance.

Ambry Genetics
Classification: Uncertain significance for Hereditary cancer-predisposing syndrome. Last evaluated: 2024-05-28. Review status: criteria provided, single submitter. Criteria: Ambry Variant Classification Scheme 2023. Collection method: clinical testing. Allele origin: germline.
Comment: The c.5776_5790del15 variant (also known as p.T1926_D1930del) is located in coding exon 38 of the ATM gene. This variant results from an in-frame deletion of 15 nucleotides (ACAATTTTTAATGAT) at positions 5776 to 5790. This results in the in-frame deletion of five amino acids (TIFND) at codons 1926 to 1930. This amino acid region is generally well conserved in available vertebrate species. In addition, this alteration is predicted to be deleterious by in silico analysis (Choi Y et al. PLoS ONE. 2012; 7(10):e46688). Based on the available evidence, the clinical significance of this variant remains unclear.

Department of Pathology and Laboratory Medicine, Sinai Health System
Classification: Uncertain significance for Familial colorectal cancer type X. Last evaluated: 2024-05-28. Review status: criteria provided, single submitter. Criteria: ACMG Guidelines, 2015. Collection method: clinical testing. Allele origin: germline. Affected: yes.

Baylor Genetics
Classification: Uncertain significance for Familial cancer of breast. Last evaluated: 2024-02-22. Review status: criteria provided, single submitter. Criteria: ACMG Guidelines, 2015. Collection method: clinical testing. Allele origin: unknown.

GeneDx
Classification: Uncertain significance. Last evaluated: 2024-01-11. Review status: criteria provided, single submitter. Criteria: GeneDx Variant Classification Process June 2021. Collection method: clinical testing. Allele origin: germline. Affected: yes.
Comment: In-frame deletion of 5 amino acids in a non-repeat region; In silico analysis supports a deleterious effect on protein structure/function; Not observed at significant frequency in large population cohorts (gnomAD); Has not been previously published as pathogenic or benign to our knowledge

Natera, Inc.
Classification: Uncertain significance for Ataxia-telangiectasia. Last evaluated: 2021-10-14. Review status: no assertion criteria provided. Collection method: clinical testing. Allele origin: germline. Not counted in ClinVar's aggregate classification.